The following is an entry in ClinVar:

ClinVar aggregate classification (germline): Pathogenic (1 of 4 stars; one submission).

Conditions:
Isovaleryl-CoA dehydrogenase deficiency (IVA). Also called: IVD DEFICIENCY; Classic Isovaleric Acidemia; ISOVALERIC ACID CoA DEHYDROGENASE DEFICIENCY; Isovaleric acidemia. Identifiers: Orphanet 33, MedGen C0268575, MONDO:0009475, OMIM 243500.

Submission:

Labcorp Genetics (formerly Invitae), Labcorp
Classification: Pathogenic for Isovaleryl-CoA dehydrogenase deficiency. Last evaluated: 2022-08-20. Review status: criteria provided, single submitter. Criteria: Invitae Variant Classification Sherloc (09022015). Collection method: clinical testing. Allele origin: germline.
Comment: This variant disrupts a region of the IVD protein in which other variant(s) (p.Arg414Trp) have been determined to be pathogenic (PMID: 25220015). This suggests that this is a clinically significant region of the protein, and that variants that disrupt it are likely to be disease-causing. For these reasons, this variant has been classified as Pathogenic. Algorithms developed to predict the effect of sequence changes on RNA splicing suggest that this variant may create or strengthen a splice site. This variant has not been reported in the literature in individuals affected with IVD-related conditions. This variant is not present in population databases (gnomAD no frequency). This sequence change creates a premature translational stop signal (p.Ile405Leufs*6) in the IVD gene. While this is not anticipated to result in nonsense mediated decay, it is expected to disrupt the last 22 amino acid(s) of the IVD protein.

Literature cited by the submitters: PubMed 25220015.

NM_002225.5(IVD):c.1204_1210del (p.Ile402fs)

Gene: IVD (isovaleryl-CoA dehydrogenase; plus strand). Cytogenetic location: 15q15.1.
Variant type: Deletion.
Coding change: c.1204_1210del on transcript NM_002225.5 (MANE Select); coding-DNA positions 1204 to 1210, 7 bases deleted (ATAGGGG; older notation c.1204_1210delATAGGGG).
Protein change: p.Ile402fs; shifts the reading frame from isoleucine 402.
Molecular consequence: frameshift variant. On other transcripts: intron variant (3).
Genome position (GRCh38, 1-based): chr15:40,418,195-40,418,201, ATAGGGG deleted; deleting any 7 consecutive bases within chr15:40,418,194-40,418,201 gives the same sequence; the c. name uses the placement nearest the transcript's 3' end. VCF-style (leftmost placement, unchanged base first): chr15-40418193-AGATAGGG-A. GRCh37 (hg19) VCF-style: chr15-40710392-AGATAGGG-A.
Other names: c.1114_1120del, p.Ile372fs (NM_001159508.3); c.1156_1162del, p.Ile386fs (NM_001354597.3); c.1291_1297del, p.Ile431fs (NM_001354599.3); c.1225+1833_1225+1839del (NM_001354600.3); c.1138+1833_1138+1839del (NM_001354598.3, NM_001354601.3); short protein forms I431fs, I386fs, I372fs, I402fs.
Identifiers: ClinVar variation 2190902 (VCV002190902.4), dbSNP rs2542783643, ClinGen allele CA2580089362.